The following is an entry in ClinVar:

ClinVar aggregate classification (germline): Uncertain significance (1 of 4 stars; one submission).

Conditions:
Hereditary cancer-predisposing syndrome. Also called: Neoplastic Syndromes, Hereditary; Tumor predisposition; Hereditary Cancer Syndrome; Hereditary neoplastic syndrome. Identifiers: Orphanet 140162, MedGen C0027672, MeSH D009386, MONDO:0015356.

Submission:

Ambry Genetics
Classification: Uncertain significance for Hereditary cancer-predisposing syndrome. Last evaluated: 2026-05-20. Review status: criteria provided, single submitter. Criteria: Ambry Variant Classification Scheme 2023. Collection method: clinical testing. Allele origin: germline.
Comment: The p.L611R variant (also known as c.1832T>G), located in coding exon 9 of the BRCA1 gene, results from a T to G substitution at nucleotide position 1832. The leucine at codon 611 is replaced by arginine, an amino acid with dissimilar properties. This amino acid position is well conserved in available vertebrate species. In addition, this alteration is predicted to be deleterious by in silico analysis. Based on the available evidence, the clinical significance of this variant remains unclear.

NM_007294.4(BRCA1):c.1832T>G (p.Leu611Arg)

Gene: BRCA1 (BRCA1 DNA repair associated; minus strand). Cytogenetic location: 17q21.31.
Variant type: single nucleotide variant.
Coding change: c.1832T>G on transcript NM_007294.4 (MANE Select); coding-DNA position 1832, T replaced by G.
Protein change: p.Leu611Arg; replaces leucine 611 with arginine.
Molecular consequence: missense variant. On other transcripts: intron variant (137).
Genome position (GRCh38, 1-based): chr17:43,093,699, A>C on the plus strand (T>G on the coding strand, the complement: BRCA1 is on the minus strand). VCF-style: chr17-43093699-A-C. GRCh37 (hg19) VCF-style: chr17-41245716-A-C.
Other names: c.1619T>G, p.Leu540Arg (NM_001407895.1, NM_001407896.1, NM_001407915.1 and 9 more transcripts); c.1622T>G, p.Leu541Arg (NM_001407909.1, NM_001407910.1, NM_001407881.1 and 13 more transcripts); c.1709T>G, p.Leu570Arg (NM_001407919.1, NM_001407937.1, NM_001407938.1 and 19 more transcripts); c.1568T>G, p.Leu523Arg (NM_001407920.1, NM_001407921.1, NM_001407922.1 and 9 more transcripts); c.1565T>G, p.Leu522Arg (NM_001407932.1, NM_001407934.1, NM_001407936.1 and 2 more transcripts); c.1706T>G, p.Leu569Arg (NM_001407940.1, NM_001407941.1, NM_001407649.1 and 11 more transcripts); c.1832T>G, p.Leu611Arg (NM_001407581.1, NM_001407582.1, NM_001407583.1 and 30 more transcripts); c.1829T>G, p.Leu610Arg (NM_001407610.1, NM_001407611.1, NM_001407612.1 and 22 more transcripts); and 40 more; short protein forms L315R, L443R, L483R, L484R, L499R, L500R, L522R, L523R.
Identifiers: ClinVar variation 4867741 (VCV004867741.1).